The following is an entry in ClinVar:

ClinVar aggregate classification (germline): Conflicting classifications of pathogenicity. Review status: criteria provided, conflicting classifications (1 of 4 stars). 12 submissions from 12 submitters: Uncertain significance (3); Likely benign (5). 4 of the submissions do not count toward it. Last evaluated 2026-04-27.

Conditions:
Niemann-Pick disease, type C1. Also called: NEUROVISCERAL STORAGE DISEASE WITH VERTICAL SUPRANUCLEAR OPHTHALMOPLEGIA; NIEMANN-PICK DISEASE WITH CHOLESTEROL ESTERIFICATION BLOCK; NIEMANN-PICK DISEASE WITHOUT SPHINGOMYELINASE DEFICIENCY; NIEMANN-PICK DISEASE, CHRONIC NEURONOPATHIC FORM; NIEMANN-PICK DISEASE, VARIANT TYPE C1. Identifiers: Orphanet 646, MedGen C3179455, MONDO:0009757, OMIM 257220.
NPC1-related disorder. Also called: NPC1-related condition.

Allele frequency attached by ClinVar (database versions not stated): 1000 Genomes Project 30x 0.00047; 1000 Genomes Project 0.00060; TOPMed 0.00084; gnomAD 0.00098 and 0.00105; gnomAD exomes 0.00110 and 0.00145; ESP Exome Variant Server 0.00138; ExAC 0.00148.
gnomAD v4.1: 2,247 of 1,614,096 alleles (0.14%); highest among the groups gnomAD compares: Non-Finnish European, 0.17%; 2 homozygotes.

Submissions (12):

GeneDx
Classification: Uncertain significance. Last evaluated: 2026-04-27. Review status: criteria provided, single submitter. Criteria: GeneDx Variant Classification Process June 2021. Collection method: clinical testing. Allele origin: germline.
Comment: In silico analysis suggests that this missense variant does not alter protein structure/function; Has not been previously published as pathogenic or benign to our knowledge

Labcorp Genetics (formerly Invitae), Labcorp
Classification: Likely benign for Niemann-Pick disease, type C1. Last evaluated: 2026-01-31. Review status: criteria provided, single submitter. Criteria: Invitae Variant Classification Sherloc (09022015). Collection method: clinical testing. Allele origin: germline.

CeGaT Center for Human Genetics Tuebingen
Classification: Likely benign. Last evaluated: 2025-04-01. Review status: criteria provided, single submitter. Criteria: CeGaT Center For Human Genetics Tuebingen Variant Classification Criteria Version 2. Collection method: clinical testing. Allele origin: germline. Affected: yes. Observed: 7 variant alleles.
Comment: NPC1: BP4

Blueprint Genetics
Classification: Likely benign. Last evaluated: 2024-11-20. Review status: criteria provided, single submitter. Criteria: ACMG Guidelines, 2015. Collection method: clinical testing. Allele origin: germline.

Women's Health and Genetics/Laboratory Corporation of America, LabCorp
Classification: Likely benign. Last evaluated: 2024-05-09. Review status: criteria provided, single submitter. Criteria: LabCorp Variant Classification Summary - May 2015. Collection method: clinical testing. Allele origin: germline.
Comment: Variant summary: NPC1 c.3217G>A (p.Gly1073Ser) results in a non-conservative amino acid change in the encoded protein sequence. Four of five in-silico tools predict a benign effect of the variant on protein function. The variant allele was found at a frequency of 0.0011 in 251344 control chromosomes, predominantly at a frequency of 0.002 within the Non-Finnish European subpopulation in the gnomAD database, including 1 homozygote. This frequency is not higher than the estimated maximum expected for a pathogenic variant in NPC1 causing Niemann-Pick Disease Type C (0.0027), however, in certain subpopulations the variant was found with even higher frequency (e.g. in the Swedish, AF: 0.00425), suggesting that the variant is probably benign. To our knowledge, no occurrence of c.3217G>A in individuals affected with Niemann-Pick Disease Type C and no experimental evidence demonstrating its impact on protein function have been reported. ClinVar contains an entry for this variant (Variation ID: 255696). Based on the evidence outlined above, the variant was classified as likely benign.

Institute for Clinical Genetics, University Hospital TU Dresden, University Hospital TU Dresden
Classification: Uncertain significance. Last evaluated: 2021-11-03. Review status: criteria provided, single submitter. Criteria: ACMG Guidelines, 2015. Collection method: clinical testing. Allele origin: germline.

Illumina Laboratory Services, Illumina
Classification: Uncertain significance for Niemann-Pick disease type C1. Last evaluated: 2017-04-27. Review status: criteria provided, single submitter. Criteria: ICSL Variant Classification Criteria 13 December 2019. Collection method: clinical testing. Allele origin: germline.

Eurofins Ntd Llc (ga)
Classification: Likely benign. Last evaluated: 2016-04-04. Review status: criteria provided, single submitter. Criteria: EGL Classification Definitions 2015. Collection method: clinical testing. Allele origin: germline. Observed: 1 variant allele, 1 heterozygote.

Natera, Inc.
Classification: Likely benign for Niemann-Pick disease type C1. Last evaluated: 2020-01-19. Review status: no assertion criteria provided. Collection method: clinical testing. Allele origin: germline. Not counted in ClinVar's aggregate classification.

PreventionGenetics, part of Exact Sciences
Classification: Likely benign for NPC1-related condition. Last evaluated: 2019-05-20. Review status: no assertion criteria provided. Collection method: clinical testing. Allele origin: germline. Not counted in ClinVar's aggregate classification.
Comment: This variant is classified as likely benign based on ACMG/AMP sequence variant interpretation guidelines (Richards et al. 2015 PMID: 25741868, with internal and published modifications).

Clinical Genetics DNA and cytogenetics Diagnostics Lab, Erasmus MC, Erasmus Medical Center
Classification: Likely benign. Review status: no assertion criteria provided. Collection method: clinical testing. Allele origin: germline. Affected: yes. Study: VKGL Data-share Consensus. Not counted in ClinVar's aggregate classification.

Genome Diagnostics Laboratory, Amsterdam University Medical Center
Classification: Likely benign. Review status: no assertion criteria provided. Collection method: clinical testing. Allele origin: germline. Affected: yes. Study: VKGL Data-share Consensus. Not counted in ClinVar's aggregate classification.

NM_000271.5(NPC1):c.3217G>A (p.Gly1073Ser)

Gene: NPC1 (NPC intracellular cholesterol transporter 1; minus strand). Cytogenetic location: 18q11.2.
Variant type: single nucleotide variant.
Coding change: c.3217G>A on transcript NM_000271.5 (MANE Select); coding-DNA position 3217, G replaced by A.
Protein change: p.Gly1073Ser; replaces glycine 1073 with serine.
Molecular consequence: missense variant.
Genome position (GRCh38, 1-based): chr18:23,536,701, C>T on the plus strand (G>A on the coding strand, the complement: NPC1 is on the minus strand). VCF-style: chr18-23536701-C-T. GRCh37 (hg19) VCF-style: chr18-21116665-C-T.
Other names: short protein forms G1073S.
Identifiers: ClinVar variation 255696 (VCV000255696.72), dbSNP rs141440861, ClinGen allele CA8912839.